The following is an entry in ClinVar:

ClinVar aggregate classification (germline): Uncertain significance (1 of 4 stars; one submission).

Conditions:
Inborn genetic diseases. Identifiers: MedGen C0950123, MeSH D030342.

Submission:

Ambry Genetics
Classification: Uncertain significance for Inborn genetic diseases. Last evaluated: 2021-04-12. Review status: criteria provided, single submitter. Criteria: Ambry Variant Classification Scheme 2023. Collection method: clinical testing. Allele origin: germline.
Comment: The p.L752P variant (also known as c.2255T>C), located in coding exon 23 of the KIF1A gene, results from a T to C substitution at nucleotide position 2255. The leucine at codon 752 is replaced by proline, an amino acid with similar properties. This amino acid position is highly conserved in available vertebrate species. In addition, this alteration is predicted to be deleterious by in silico analysis. Since supporting evidence is limited at this time, the clinical significance of this alteration remains unclear.

NM_001244008.2(KIF1A):c.2255T>C (p.Leu752Pro)

Gene: KIF1A (kinesin family member 1A; minus strand). Cytogenetic location: 2q37.3.
Variant type: single nucleotide variant.
Coding change: c.2255T>C on transcript NM_001244008.2 (MANE Select); coding-DNA position 2255, T replaced by C.
Protein change: p.Leu752Pro; replaces leucine 752 with proline.
Molecular consequence: missense variant.
Genome position (GRCh38, 1-based): chr2:240,761,239, A>G on the plus strand (T>C on the coding strand, the complement: KIF1A is on the minus strand). VCF-style: chr2-240761239-A-G. GRCh37 (hg19) VCF-style: chr2-241700656-A-G.
Other names: c.2255T>C, p.Leu752Pro (NM_001320705.2, NM_001330289.2, NM_001379638.1); c.2330T>C, p.Leu777Pro (NM_001330290.2, NM_001379631.1, NM_001379634.1 and 2 more transcripts); c.2228T>C, p.Leu743Pro (NM_001379632.1, NM_001379633.1, NM_001379636.1 and 11 more transcripts); c.2303T>C, p.Leu768Pro (NM_001379637.1, NM_001379648.1); short protein forms L752P, L777P, L743P, L768P.
Identifiers: ClinVar variation 1788519 (VCV001788519.2), dbSNP rs2537617657, ClinGen allele CA351325326.